The following is an entry in ClinVar:

ClinVar aggregate classification (germline): Pathogenic (1 of 4 stars; one submission).

Conditions:
Hereditary nonpolyposis colorectal neoplasms. Identifiers: MedGen C0009405, MeSH D003123.

Submission:

Labcorp Genetics (formerly Invitae), Labcorp
Classification: Pathogenic for Hereditary nonpolyposis colorectal neoplasms. Last evaluated: 2023-10-13. Review status: criteria provided, single submitter. Criteria: Invitae Variant Classification Sherloc (09022015). Collection method: clinical testing. Allele origin: germline.
Comment: This sequence change creates a premature translational stop signal (p.Ile584Asnfs*6) in the PMS2 gene. It is expected to result in an absent or disrupted protein product. Loss-of-function variants in PMS2 are known to be pathogenic (PMID: 21376568, 24362816). This variant is not present in population databases (gnomAD no frequency). This variant has not been reported in the literature in individuals affected with PMS2-related conditions. ClinVar contains an entry for this variant (Variation ID: 220605). For these reasons, this variant has been classified as Pathogenic.

Literature cited by the submitters: PubMed 21376568; PubMed 24362816.

NM_000535.7(PMS2):c.1750dup (p.Ile584fs)

Gene: PMS2 (PMS1 homolog 2, mismatch repair system component; minus strand). Cytogenetic location: 7p22.1.
Variant type: Duplication.
Coding change: c.1750dup on transcript NM_000535.7 (MANE Select); coding-DNA position 1750, one base duplicated (A; older notation c.1750dupA).
Protein change: p.Ile584fs; shifts the reading frame from isoleucine 584.
Molecular consequence: frameshift variant. On other transcripts: non-coding transcript variant (1).
Genome position (GRCh38, 1-based): chr7:5,987,015, T duplicated on the plus strand (A on the coding strand, the reverse complement: PMS2 is on the minus strand); the first of 3 consecutive T bases (chr7:5,987,015-5,987,017); duplicating any one gives the same sequence. VCF-style (leftmost placement, unchanged base first): chr7-5987014-A-AT. GRCh37 (hg19) VCF-style: chr7-6026645-A-AT.
Other names: c.1345dup, p.Ile449fs (NM_001322003.2, NM_001322004.2, NM_001322005.2 and 1 more transcripts); c.1594dup, p.Ile532fs (NM_001322006.2); c.1432dup, p.Ile478fs (NM_001322007.2, NM_001322008.2); c.1189dup, p.Ile397fs (NM_001322010.2); c.817dup, p.Ile273fs (NM_001322011.2, NM_001322012.2); c.1177dup, p.Ile393fs (NM_001322013.2); c.1750dup, p.Ile584fs (NM_001322014.2); c.1441dup, p.Ile481fs (NM_001322015.2); and 1 more; short protein forms I273fs, I478fs, I481fs, I397fs, I449fs, I532fs, I584fs, I393fs.
Identifiers: ClinVar variation 220605 (VCV000220605.8), dbSNP rs864622600, ClinGen allele CA348078.